The following is an entry in ClinVar:

NC_000023.11:g.101841986A>T

Gene: NXF5 (nuclear RNA export factor 5; minus strand). Cytogenetic location: Xq22.1.
Variant type: single nucleotide variant.
Genome position: GRCh38 VCF-style: chrX-101841986-A-T. GRCh37 (hg19) VCF-style: chrX-101096958-A-T.
Identifiers: ClinVar variation 1924528 (VCV001924528.6), dbSNP rs2522417372, ClinGen allele CA2580100094.

ClinVar aggregate classification (germline): Uncertain significance (1 of 4 stars; one submission).

Submission:

Labcorp Genetics (formerly Invitae), Labcorp
Classification: Uncertain significance. Last evaluated: 2022-08-06. Review status: criteria provided, single submitter. Criteria: Invitae Variant Classification Sherloc (09022015). Collection method: clinical testing. Allele origin: germline.
Comment: Algorithms developed to predict the effect of sequence changes on RNA splicing suggest that this variant may disrupt the consensus splice site. In summary, the available evidence is currently insufficient to determine the role of this variant in disease. Therefore, it has been classified as a Variant of Uncertain Significance. This variant has not been reported in the literature in individuals affected with NXF5-related conditions. This variant is not present in population databases (gnomAD no frequency). This sequence change falls in intron 3 of the NXF5 gene. It does not directly change the encoded amino acid sequence of the NXF5 protein.